The following is an entry in ClinVar:

ClinVar aggregate classification (germline): Uncertain significance (1 of 4 stars; one submission).

Conditions:
Neurooculocardiogenitourinary syndrome. Identifiers: Orphanet 684305, MedGen C5231443, MONDO:0032850, OMIM 618652.

Submission:

OLLIN Analises Genomicas, OLLIN
Classification: Uncertain significance for Neurooculocardiogenitourinary syndrome. Last evaluated: 2026-08-06. Review status: criteria provided, single submitter. Criteria: ACMG Guidelines 2015 PMID 25741868. Collection method: clinical testing. Allele origin: germline. Inheritance: Autosomal dominant inheritance.
Comment: This missense variant, located in exon 7 (of 14), is absent from gnomAD and ClinVar and has not been identified in the literature. In silico analysis predicts that this variant has a tolerated effect. This gene is constrained for missense variation. According to the currently available evidence, this variant has been classified as uncertain significance (PM2_P, PP2, BP4).

NM_014023.4(WDR37):c.580A>G (p.Lys194Glu)

Gene: WDR37 (WD repeat domain 37; plus strand). Cytogenetic location: 10p15.3.
Variant type: single nucleotide variant.
Coding change: c.580A>G on transcript NM_014023.4 (MANE Select); coding-DNA position 580, A replaced by G.
Protein change: p.Lys194Glu; replaces lysine 194 with glutamic acid.
Molecular consequence: missense variant.
Genome position (GRCh38, 1-based): chr10:1,086,333, A>G. VCF-style: chr10-1086333-A-G. GRCh37 (hg19) VCF-style: chr10-1132273-A-G.
Other names: short protein forms K194E.
Identifiers: ClinVar variation 5002768 (VCV005002768.1).